The following is an entry in ClinVar:

NM_018124.4(RFWD3):c.492A>C (p.Gly164=)

Gene: RFWD3 (ring finger and WD repeat domain 3; minus strand). Cytogenetic location: 16q23.1.
Variant type: single nucleotide variant.
Coding change: c.492A>C on transcript NM_018124.4 (MANE Select); coding-DNA position 492, A replaced by C.
Protein change: p.Gly164=; no amino-acid change (glycine 164 retained).
Molecular consequence: synonymous variant. On other transcripts: 5 prime UTR variant (4), intron variant (1).
Genome position (GRCh38, 1-based): chr16:74,660,958, T>G on the plus strand (A>C on the coding strand, the complement: RFWD3 is on the minus strand). VCF-style: chr16-74660958-T-G. GRCh37 (hg19) VCF-style: chr16-74694856-T-G.
Other names: c.492A>C, p.Gly164= (NM_001370534.1, NM_001370535.1, NM_001370536.1); c.-517A>C (NM_001370537.1); c.-140A>C (NM_001370539.1, NM_001370541.1); c.-394A>C (NM_001370542.1); c.-272A>C (NM_001370543.1); c.-317+3666A>C (NM_001370540.1); c.492A>C (NM_018124.3).
Identifiers: ClinVar variation 2155335 (VCV002155335.6), dbSNP rs765559118, ClinGen allele CA8169565.
Genomic context (GRCh38, chr16:74,660,958, plus strand): 5'-CAATGATCACAGACTTATCCATATATTTATTTACCTGGCACTGTCTGTCCTCTGAGACCC[T>G]CCGGCTCTTGCCCTCCGTGAAGCAGATACCCTCCTTCTTGTTCTCATTGGCCCTACACTG-3'
Protein context (NP_060594.3, residues 154-174): RVSASRRARA[Gly164=]GSQRTDSARL

ClinVar aggregate classification (germline): Likely benign. Review status: criteria provided, multiple submitters, no conflicts (2 of 4 stars). 3 submissions from 3 submitters: Likely benign (3). Last evaluated 2026-06-27.

Conditions:
RFWD3-related disorder. Also called: RFWD3-related condition.

Allele frequency attached by ClinVar (database versions not stated): gnomAD exomes 0.00010; gnomAD 0.00015; ExAC 0.00016; TOPMed 0.00029.

Submissions (3):

PreventionGenetics, part of Exact Sciences
Classification: Likely benign for RFWD3-related condition. Last evaluated: 2026-06-27. Review status: criteria provided, single submitter. Criteria: ACMG Guidelines, 2015. Collection method: clinical testing. Allele origin: germline.
Comment: This variant is classified as likely benign based on ACMG/AMP sequence variant interpretation guidelines (Richards et al. 2015 PMID: 25741868, with internal and published modifications).

Labcorp Genetics (formerly Invitae), Labcorp
Classification: Likely benign. Last evaluated: 2025-11-28. Review status: criteria provided, single submitter. Criteria: Invitae Variant Classification Sherloc (09022015). Collection method: clinical testing. Allele origin: germline.

Blueprint Genetics
Classification: Likely benign. Last evaluated: 2024-10-25. Review status: criteria provided, single submitter. Criteria: ACMG Guidelines, 2015. Collection method: clinical testing. Allele origin: germline.